The following is an entry in ClinVar:

ClinVar aggregate classification (germline): Uncertain significance. Review status: criteria provided, single submitter (1 of 4 stars). 2 submissions from 2 submitters: Uncertain significance (1). 1 of the submissions does not count toward it. Last evaluated 2021-08-30.

Conditions:
Autosomal recessive polycystic kidney disease (ARPKD). Also called: AR polycystic kidney disease. Identifiers: Orphanet 731, Orphanet 8378, MedGen C0085548, MeSH D017044, MONDO:0009889.

Allele frequency attached by ClinVar (database versions not stated): gnomAD exomes below 0.00001 and 0.00001.
gnomAD v4.1: 3 of 1,614,102 alleles (0.00019%); highest among the groups gnomAD compares: South Asian, 0.0033%; no homozygotes.

Submissions (2):

Labcorp Genetics (formerly Invitae), Labcorp
Classification: Uncertain significance for Autosomal recessive polycystic kidney disease. Last evaluated: 2021-08-30. Review status: criteria provided, single submitter. Criteria: Invitae Variant Classification Sherloc (09022015). Collection method: clinical testing. Allele origin: germline.
Comment: This sequence change replaces alanine with serine at codon 694 of the PKHD1 protein (p.Ala694Ser). The alanine residue is weakly conserved and there is a moderate physicochemical difference between alanine and serine. This variant is not present in population databases (ExAC no frequency). This variant has not been reported in the literature in individuals affected with PKHD1-related conditions. Algorithms developed to predict the effect of missense changes on protein structure and function output the following: SIFT: "Tolerated"; PolyPhen-2: "Benign"; Align-GVGD: "Class C0". The serine amino acid residue is found in multiple mammalian species, which suggests that this missense change does not adversely affect protein function. In summary, the available evidence is currently insufficient to determine the role of this variant in disease. Therefore, it has been classified as a Variant of Uncertain Significance.

Natera, Inc.
Classification: Uncertain significance for Autosomal recessive polycystic kidney disease. Last evaluated: 2019-09-09. Review status: no assertion criteria provided. Collection method: clinical testing. Allele origin: germline. Not counted in ClinVar's aggregate classification.

NM_138694.4(PKHD1):c.2080G>T (p.Ala694Ser)

Gene: PKHD1 (PKHD1 ciliary IPT domain containing fibrocystin/polyductin; minus strand). Cytogenetic location: 6p12.2.
Variant type: single nucleotide variant.
Coding change: c.2080G>T on transcript NM_138694.4 (MANE Select); coding-DNA position 2080, G replaced by T.
Protein change: p.Ala694Ser; replaces alanine 694 with serine.
Molecular consequence: missense variant.
Genome position (GRCh38, 1-based): chr6:52,053,136, C>A on the plus strand (G>T on the coding strand, the complement: PKHD1 is on the minus strand). VCF-style: chr6-52053136-C-A. GRCh37 (hg19) VCF-style: chr6-51917934-C-A.
Other names: c.2080G>T, p.Ala694Ser (NM_170724.3); short protein forms A694S.
Identifiers: ClinVar variation 1010593 (VCV001010593.11), dbSNP rs1161554442, ClinGen allele CA364444160.